The following is an entry in ClinVar:

ClinVar aggregate classification (germline): Uncertain significance (1 of 4 stars; one submission).

Allele frequency attached by ClinVar (database versions not stated): gnomAD exomes below 0.00001; TOPMed below 0.00001; gnomAD 0.00001.
gnomAD v4.1: 3 of 1,613,950 alleles (0.00019%); highest among the groups gnomAD compares: East Asian, 0.0045%; no homozygotes.

Submission:

Women's Health and Genetics/Laboratory Corporation of America, LabCorp
Classification: Uncertain significance. Last evaluated: 2024-03-11. Review status: criteria provided, single submitter. Criteria: LabCorp Variant Classification Summary - May 2015. Collection method: clinical testing. Allele origin: germline.
Comment: Variant summary: CFTR c.1042A>G (p.Met348Val) results in a conservative amino acid change located in the ABC transporter type 1, transmembrane domain (IPR011527) of the encoded protein sequence. Three of four in-silico tools predict a damaging effect of the variant on protein function. The variant allele was found at a frequency of 4e-06 in 251142 control chromosomes. The available data on variant occurrences in the general population are insufficient to allow any conclusion about variant significance. c.1042A>G has been reported in the literature in one individual affected with idiopathic chronic pancreatitis, without strong evidence for causality (Weiss_2005). These report(s) do not provide unequivocal conclusions about association of the variant with Cystic Fibrosis. At least two publications report experimental evidence evaluating an impact on protein function. The variant effect results in WT-like CFTR function in both CF bronchial epithelial cell line CFBE41o and Xenopus oocytes (Weiss_2009, Han_2018). No submitters have cited clinical-significance assessments for this variant to ClinVar. The following publications have been ascertained in the context of this evaluation (PMID: 30046002, 15987793, 19359437). Based on the evidence outlined above, the variant was classified as uncertain significance.

Literature cited by the submitters: PubMed 15987793; PubMed 30046002; PubMed 19359437.

NM_000492.4(CFTR):c.1042A>G (p.Met348Val)

Gene: CFTR (CF transmembrane conductance regulator; plus strand). Cytogenetic location: 7q31.2.
Variant type: single nucleotide variant.
Coding change: c.1042A>G on transcript NM_000492.4 (MANE Select); coding-DNA position 1042, A replaced by G.
Protein change: p.Met348Val; replaces methionine 348 with valine.
Molecular consequence: missense variant.
Genome position (GRCh38, 1-based): chr7:117,540,272, A>G. VCF-style: chr7-117540272-A-G. GRCh37 (hg19) VCF-style: chr7-117180326-A-G.
Other names: short protein forms M348V.
Identifiers: ClinVar variation 3233533 (VCV003233533.3), dbSNP rs1184582207, ClinGen allele CA368978872.